The following is an entry in ClinVar:

ClinVar aggregate classification (germline): Likely benign. Review status: criteria provided, single submitter (1 of 4 stars). 2 submissions from 2 submitters: Likely benign (1). 1 of the submissions does not count toward it. Last evaluated 2025-03-27.

Conditions:
COL11A2-related disorder. Also called: COL11A2-related condition; COL11A2-related disorders.

Allele frequency attached by ClinVar (database versions not stated): TOPMed 0.00001; gnomAD 0.00003; 1000 Genomes Project 30x 0.00031; 1000 Genomes Project 0.00040.
gnomAD v4.1: 11 of 1,612,486 alleles (0.00068%); highest among the groups gnomAD compares: East Asian, 0.0022%; no homozygotes.

Submissions (2):

Labcorp Genetics (formerly Invitae), Labcorp
Classification: Likely benign. Last evaluated: 2025-03-27. Review status: criteria provided, single submitter. Criteria: Invitae Variant Classification Sherloc (09022015). Collection method: clinical testing. Allele origin: germline.

PreventionGenetics, part of Exact Sciences
Classification: Uncertain significance for COL11A2-related condition. Last evaluated: 2024-06-06. Review status: no assertion criteria provided. Collection method: clinical testing. Allele origin: germline. Not counted in ClinVar's aggregate classification.
Comment: The COL11A2 c.2370C>T variant is not predicted to result in an amino acid change (p.=). This variant is predicted to create a cryptic splice donor site (SpliceAI, Jaganathan et al. 2019. PubMed ID: 30661751). To our knowledge, this variant has not been reported in the literature. This variant is reported in 0.0033% of alleles in individuals of South Asian descent in gnomAD. At this time, the clinical significance of this variant is uncertain due to the absence of conclusive functional and genetic evidence.

NM_080680.3(COL11A2):c.2370C>T (p.Gly790=)

Gene: COL11A2 (collagen type XI alpha 2 chain; minus strand). Cytogenetic location: 6p21.32.
Variant type: single nucleotide variant.
Coding change: c.2370C>T on transcript NM_080680.3 (MANE Select); coding-DNA position 2370, C replaced by T.
Protein change: p.Gly790=; no amino-acid change (glycine 790 retained).
Molecular consequence: synonymous variant.
Genome position (GRCh38, 1-based): chr6:33,175,580, G>A on the plus strand (C>T on the coding strand, the complement: COL11A2 is on the minus strand). VCF-style: chr6-33175580-G-A. GRCh37 (hg19) VCF-style: chr6-33143357-G-A.
Other names: c.2049C>T, p.Gly683= (NM_080679.3); c.2112C>T, p.Gly704= (NM_080681.3); c.2370C>T (NM_080680.2).
Identifiers: ClinVar variation 1955938 (VCV001955938.6), dbSNP rs557164706, ClinGen allele CA137070739.